The following is an entry in ClinVar:

ClinVar aggregate classification (germline): Uncertain significance (1 of 4 stars; one submission).

gnomAD v4.1: 3 of 1,612,802 alleles (0.00019%); highest among the groups gnomAD compares: South Asian, 0.0033%; no homozygotes.

Submission:

Women's Health and Genetics/Laboratory Corporation of America, LabCorp
Classification: Uncertain significance. Last evaluated: 2024-11-22. Review status: criteria provided, single submitter. Criteria: LabCorp Variant Classification Summary - May 2015. Collection method: clinical testing. Allele origin: germline.
Comment: Variant summary: AMHR2 c.82G>C (p.Glu28Gln) results in a conservative amino acid change in the encoded protein sequence. Three of five in-silico tools predict a benign effect of the variant on protein function. The variant allele was found at a frequency of 4e-06 in 251428 control chromosomes (gnomAD). c.82G>C has been reported in the literature in a homozygous individual affected with persistent Mullerian duct syndrome (example: Picard_2017). These data indicate that the variant may be associated with disease. To our knowledge, no experimental evidence demonstrating an impact on protein function has been reported. The following publication has been ascertained in the context of this evaluation (PMID: 28528332). No submitters have cited clinical-significance assessments for this variant to ClinVar. Based on the evidence outlined above, the variant was classified as VUS-possibly pathogenic.

Literature cited by the submitters: PubMed 28528332.

NM_020547.3(AMHR2):c.82G>C (p.Glu28Gln)

Gene: AMHR2 (anti-Mullerian hormone receptor type 2; plus strand). Cytogenetic location: 12q13.13.
Variant type: single nucleotide variant.
Coding change: c.82G>C on transcript NM_020547.3 (MANE Select); coding-DNA position 82, G replaced by C.
Protein change: p.Glu28Gln; replaces glutamic acid 28 with glutamine.
Molecular consequence: missense variant.
Genome position (GRCh38, 1-based): chr12:53,424,320, G>C. VCF-style: chr12-53424320-G-C. GRCh37 (hg19) VCF-style: chr12-53818104-G-C.
Other names: c.82G>C, p.Glu28Gln (NM_001164690.2, NM_001164691.2); short protein forms E28Q.
Identifiers: ClinVar variation 3629925 (VCV003629925.1).